The following is an entry in ClinVar:

NM_033028.5(BBS4):c.461C>T (p.Ala154Val)

Gene: BBS4 (Bardet-Biedl syndrome 4; plus strand). Cytogenetic location: 15q24.1.
Variant type: single nucleotide variant.
Coding change: c.461C>T on transcript NM_033028.5 (MANE Select); coding-DNA position 461, C replaced by T.
Protein change: p.Ala154Val; replaces alanine 154 with valine.
Molecular consequence: missense variant. On other transcripts: 5 prime UTR variant (1), non-coding transcript variant (2).
Genome position (GRCh38, 1-based): chr15:72,724,529, C>T. VCF-style: chr15-72724529-C-T. GRCh37 (hg19) VCF-style: chr15-73016870-C-T.
Other names: c.-56C>T (NM_001252678.2); c.461C>T, p.Ala154Val (NM_001320665.2); short protein forms A154V.
Identifiers: ClinVar variation 939355 (VCV000939355.7), dbSNP rs756744863, ClinGen allele CA7646648.
Genomic context (GRCh38, chr15:72,724,529, plus strand): 5'-AAGGTATAGTTCGTTCAGTGGTAGTGATTTGGTTTTCTTTATTTTGTTAAACTTGTCAGG[C>T]ACAAGACCAGTTGCACAATGCCCTGAATCTTAATAGGCACGATCTGACTTATATAATGCT-3'
Protein context (NP_149017.2, residues 144-164): CYIYLKQFNK[Ala154Val]QDQLHNALNL

ClinVar aggregate classification (germline): Uncertain significance (1 of 4 stars; one submission).

Conditions:
Bardet-Biedl syndrome (BBS). Identifiers: Orphanet 110, MedGen C0752166, MONDO:0015229.

Allele frequency attached by ClinVar (database versions not stated): ExAC 0.00001; gnomAD 0.00001; gnomAD exomes 0.00001 and 0.00002; TOPMed 0.00001.
gnomAD v4.1: 24 of 1,613,776 alleles (0.0015%); highest among the groups gnomAD compares: Non-Finnish European, 0.002%; no homozygotes.

Submission:

Labcorp Genetics (formerly Invitae), Labcorp
Classification: Uncertain significance for Bardet-Biedl syndrome. Last evaluated: 2021-08-31. Review status: criteria provided, single submitter. Criteria: Invitae Variant Classification Sherloc (09022015). Collection method: clinical testing. Allele origin: germline.
Comment: This sequence change replaces alanine with valine at codon 154 of the BBS4 protein (p.Ala154Val). The alanine residue is moderately conserved and there is a small physicochemical difference between alanine and valine. This variant is present in population databases (rs756744863, ExAC 0.001%). This variant has not been reported in the literature in individuals affected with BBS4-related conditions. Algorithms developed to predict the effect of missense changes on protein structure and function are either unavailable or do not agree on the potential impact of this missense change (SIFT: "Tolerated"; PolyPhen-2: "Probably Damaging"; Align-GVGD: "Class C0"). Algorithms developed to predict the effect of sequence changes on RNA splicing suggest that this variant may create or strengthen a splice site. In summary, the available evidence is currently insufficient to determine the role of this variant in disease. Therefore, it has been classified as a Variant of Uncertain Significance.